The following is an entry in ClinVar:

NM_002470.4(MYH3):c.2682+5G>A

Gene: MYH3 (myosin heavy chain 3; minus strand). Cytogenetic location: 17p13.1.
Variant type: single nucleotide variant.
Coding change: c.2682+5G>A on transcript NM_002470.4 (MANE Select); 5 bases into the intron after coding-DNA position 2682, G replaced by A.
Molecular consequence: intron variant.
Genome position (GRCh38, 1-based): chr17:10,639,991, C>T on the plus strand (G>A on the coding strand, the complement: MYH3 is on the minus strand). VCF-style: chr17-10639991-C-T. GRCh37 (hg19) VCF-style: chr17-10543308-C-T.
Identifiers: ClinVar variation 2968812 (VCV002968812.3), dbSNP rs1458555564, ClinGen allele CA725975679.
Genomic context (GRCh38, chr17:10,639,991, plus strand): 5'-TTTTTCTAAATAAATAATCAAATCTAGAAGAGTTAAAAAAAAAAAAAAGATTGCTAAACA[C>T]GTACAGCTTGTACTTGGAGCTGCAGGTCATTCTTCTCTTGGACCAGAGTCACCAGTTTTT-3'

ClinVar aggregate classification (germline): Uncertain significance (1 of 4 stars; one submission).

Allele frequency attached by ClinVar (database versions not stated): gnomAD exomes 0.00001; TOPMed 0.00001.
gnomAD v4.1: 4 of 1,613,194 alleles (0.00025%); highest among the groups gnomAD compares: African/African-American, 0.0013%; no homozygotes.

Submission:

Labcorp Genetics (formerly Invitae), Labcorp
Classification: Uncertain significance. Last evaluated: 2025-01-29. Review status: criteria provided, single submitter. Criteria: Invitae Variant Classification Sherloc (09022015). Collection method: clinical testing. Allele origin: germline.
Comment: This sequence change falls in intron 22 of the MYH3 gene. It does not directly change the encoded amino acid sequence of the MYH3 protein. It affects a nucleotide within the consensus splice site. This variant is not present in population databases (gnomAD no frequency). This variant has not been reported in the literature in individuals affected with MYH3-related conditions. ClinVar contains an entry for this variant (Variation ID: 2968812). Variants that disrupt the consensus splice site are a relatively common cause of aberrant splicing (PMID: 17576681, 9536098). Algorithms developed to predict the effect of sequence changes on RNA splicing suggest that this variant may disrupt the consensus splice site. In summary, the available evidence is currently insufficient to determine the role of this variant in disease. Therefore, it has been classified as a Variant of Uncertain Significance.

Literature cited by the submitters: PubMed 17576681; PubMed 9536098.